The following is an entry in ClinVar:

NM_006073.4(TRDN):c.1567G>C (p.Glu523Gln)

Gene: TRDN (triadin; minus strand). Cytogenetic location: 6q22.31.
Variant type: single nucleotide variant.
Coding change: c.1567G>C on transcript NM_006073.4 (MANE Select); coding-DNA position 1567, G replaced by C.
Protein change: p.Glu523Gln; replaces glutamic acid 523 with glutamine.
Molecular consequence: missense variant.
Genome position (GRCh38, 1-based): chr6:123,278,318, C>G on the plus strand (G>C on the coding strand, the complement: TRDN is on the minus strand). VCF-style: chr6-123278318-C-G. GRCh37 (hg19) VCF-style: chr6-123599463-C-G.
Other names: short protein forms E523Q.
Identifiers: ClinVar variation 463669 (VCV000463669.12), dbSNP rs1319380436, ClinGen allele CA365565495.

ClinVar aggregate classification (germline): Uncertain significance. Review status: criteria provided, multiple submitters, no conflicts (2 of 4 stars). 2 submissions from 2 submitters: Uncertain significance (2). Last evaluated 2022-12-26.

Conditions:
Cardiovascular phenotype. Identifiers: MedGen CN230736.
Catecholaminergic polymorphic ventricular tachycardia 1. Also called: VENTRICULAR TACHYCARDIA, STRESS-INDUCED POLYMORPHIC 1; VENTRICULAR TACHYCARDIA, CATECHOLAMINERGIC POLYMORPHIC, 1, WITH OR WITHOUT ATRIAL DYSFUNCTION AND/OR DILATED CARDIOMYOPATHY; RYR2-Related Catecholaminergic Polymorphic Ventricular Tachycardia. Identifiers: Orphanet 3286, MedGen C1631597, MONDO:0011484, OMIM 604772.

Allele frequency attached by ClinVar (database versions not stated): gnomAD exomes below 0.00001 and 0.00002; TOPMed 0.00001.
gnomAD v4.1: 3 of 1,292,456 alleles (0.00023%); highest among the groups gnomAD compares: East Asian, 0.0059%; no homozygotes.

Submissions (2):

Labcorp Genetics (formerly Invitae), Labcorp
Classification: Uncertain significance for Catecholaminergic polymorphic ventricular tachycardia 1. Last evaluated: 2022-12-26. Review status: criteria provided, single submitter. Criteria: Invitae Variant Classification Sherloc (09022015). Collection method: clinical testing. Allele origin: germline.
Comment: In summary, the available evidence is currently insufficient to determine the role of this variant in disease. Therefore, it has been classified as a Variant of Uncertain Significance. Variants that disrupt the consensus splice site are a relatively common cause of aberrant splicing (PMID: 17576681, 9536098). Algorithms developed to predict the effect of sequence changes on RNA splicing suggest that this variant may disrupt the consensus splice site. Algorithms developed to predict the effect of missense changes on protein structure and function are either unavailable or do not agree on the potential impact of this missense change (SIFT: "Deleterious"; PolyPhen-2: "Benign"; Align-GVGD: "Class C0"). ClinVar contains an entry for this variant (Variation ID: 463669). This variant has not been reported in the literature in individuals affected with TRDN-related conditions. This variant is present in population databases (no rsID available, gnomAD 0.03%). This sequence change replaces glutamic acid, which is acidic and polar, with glutamine, which is neutral and polar, at codon 523 of the TRDN protein (p.Glu523Gln). This variant also falls at the last nucleotide of exon 26, which is part of the consensus splice site for this exon.

Ambry Genetics
Classification: Uncertain significance for Cardiovascular phenotype. Last evaluated: 2020-08-21. Review status: criteria provided, single submitter. Criteria: Ambry Variant Classification Scheme 2023. Collection method: clinical testing. Allele origin: germline.
Comment: The c.1567G>C variant (also known as p.E523Q), located in coding exon 26 of the TRDN gene, results from a G to C substitution at nucleotide position 1567. The amino acid change results in glutamic acid to glutamine at codon 523, an amino acid with highly similar properties. However, this change occurs in the last base pair of coding exon 26, which makes it likely to have some effect on normal mRNA splicing. This nucleotide position is well conserved in available vertebrate species. This amino acid position is well conserved in available vertebrate species. In silico splice site analysis for this alteration is inconclusive. In addition, this alteration is predicted to be tolerated by in silico analysis. Since supporting evidence is limited at this time, the clinical significance of this alteration remains unclear.

Literature cited by the submitters: PubMed 17576681 (cited by Labcorp Genetics (formerly Invitae), Labcorp); PubMed 9536098 (cited by Labcorp Genetics (formerly Invitae), Labcorp).